The following is an entry in ClinVar:

ClinVar aggregate classification (germline): Likely pathogenic (1 of 4 stars; one submission).

Conditions:
ODF2-related disorder.

gnomAD v4.1: 2,545 of 1,613,508 alleles (0.16%); highest among the groups gnomAD compares: South Asian, 0.17%; 5 homozygotes.

Submission:

Molecular and Cell Genetics Laboratory, University of Science and Technology of China
Classification: Likely pathogenic for ODF2-related disorder. Last evaluated: 2026-01-04. Review status: criteria provided, single submitter. Criteria: ACMG Guidelines, 2015. Collection method: research. Allele origin: inherited. Inheritance: Autosomal recessive inheritance. Affected: yes. Observed: 2 variant alleles, 2 homozygotes. Clinical features observed: Male infertility (HP:0003251).
Comment: The variant was classified as Likely Pathogenic based on the cumulative evidence from the following four ACMG criteria: • PM2 (Moderate): This variant is extremely rare in large population databases, with an allele frequency of 0.00157 in gnomAD and 0.0003 in the 1000 Genomes Project. Crucially, it was confirmed to be absent in our in-house control database of 578 fertile men, providing strong evidence against it being a benign polymorphism in the study population. • PP1 (Supporting): The variant co-segregates with the male infertility phenotype within the family, consistent with the autosomal recessive inheritance pattern identified through our segregation analysis. • PP3 (Supporting): A substantial body of in silico evidence supports a deleterious effect of this variant. Functional prediction tools, including SIFT, Polyphen-2, and Mutation Taster, unanimously predicted the variant to be damaging. Furthermore, its CADD score of 22 is significantly above the deleterious threshold. We also performed protein stability analysis using I-Mutant2.0 and MUPro, both of which predicted that the p.Arg180Lys alteration decreases the stability of the ODF2 protein (DDG: -1.60 and -1.16 Kcal/mol, respectively). • PM4 (Moderate): The variant leads to a non-conservative missense change at a critical protein residue, which is predicted to disrupt protein function and stability, as supported by our computational analyses.

NM_001351578.2(ODF2):c.788G>A (p.Arg263Lys)

Genes: ODF2 (outer dense fiber of sperm tails 2; plus strand), ODF2-AS1 (ODF2 antisense RNA 1; minus strand). Cytogenetic location: 9q34.11.
Variant type: single nucleotide variant.
Coding change: c.788G>A on transcript NM_001351578.2 (MANE Select); coding-DNA position 788, G replaced by A.
Protein change: p.Arg263Lys; replaces arginine 263 with lysine.
Molecular consequence: missense variant.
Genome position (GRCh38, 1-based): chr9:128,471,426, G>A. VCF-style: chr9-128471426-G-A. GRCh37 (hg19) VCF-style: chr9-131233705-G-A.
Other names: NC_000009.12:g.128471426G>A; c.656G>A, p.Arg219Lys (NM_001351582.2); c.467G>A, p.Arg156Lys (NM_001351583.2, NM_001351586.2, NM_002540.5); c.524G>A, p.Arg175Lys (NM_001351584.2, NM_001351585.2, NM_001242352.2 and 2 more transcripts); c.353G>A, p.Arg118Lys (NM_001351587.2); c.296G>A, p.Arg99Lys (NM_001351588.2, NM_001242354.2); c.671G>A, p.Arg224Lys (NM_153432.1, NM_001351581.1); c.539G>A, p.Arg180Lys (NM_001242353.2, NM_153433.2, NM_153436.2); and 4 more; short protein forms R118K, R156K, R161K, R175K, R180K, R205K, R219K, R224K.
Identifiers: ClinVar variation 4682143 (VCV004682143.1).